The following is an entry in ClinVar:

NM_020774.4(MIB1):c.980A>G (p.Glu327Gly)

Gene: MIB1 (MIB E3 ubiquitin protein ligase 1; plus strand). Cytogenetic location: 18q11.2.
Variant type: single nucleotide variant.
Coding change: c.980A>G on transcript NM_020774.4 (MANE Select); coding-DNA position 980, A replaced by G.
Protein change: p.Glu327Gly; replaces glutamic acid 327 with glycine.
Molecular consequence: missense variant.
Genome position (GRCh38, 1-based): chr18:21,791,445, A>G. VCF-style: chr18-21791445-A-G. GRCh37 (hg19) VCF-style: chr18-19371406-A-G.
Other names: short protein forms E327G.
Identifiers: ClinVar variation 3872828 (VCV003872828.1).

ClinVar aggregate classification (germline): Uncertain significance (1 of 4 stars; one submission).

Conditions:
Inborn genetic diseases. Identifiers: MedGen C0950123, MeSH D030342.

Submission:

Ambry Genetics
Classification: Uncertain significance for Inborn genetic diseases. Last evaluated: 2024-12-29. Review status: criteria provided, single submitter. Criteria: Ambry Variant Classification Scheme 2023. Collection method: clinical testing. Allele origin: germline.
Comment: The p.E327G variant (also known as c.980A>G), located in coding exon 7 of the MIB1 gene, results from an A to G substitution at nucleotide position 980. The glutamic acid at codon 327 is replaced by glycine, an amino acid with similar properties. This amino acid position is conserved. In addition, the in silico prediction for this alteration is inconclusive. Based on the available evidence, the clinical significance of this variant remains unclear.